The following is an entry in ClinVar:

NM_000719.7(CACNA1C):c.3046A>G (p.Lys1016Glu)

Gene: CACNA1C (calcium voltage-gated channel subunit alpha1 C; plus strand). Cytogenetic location: 12p13.33.
Variant type: single nucleotide variant.
Coding change: c.3046A>G on transcript NM_000719.7 (MANE Select); coding-DNA position 3046, A replaced by G.
Protein change: p.Lys1016Glu; replaces lysine 1016 with glutamic acid.
Molecular consequence: missense variant.
Genome position (GRCh38, 1-based): chr12:2,605,166, A>G. VCF-style: chr12-2605166-A-G. GRCh37 (hg19) VCF-style: chr12-2714332-A-G.
Other names: c.3106A>G, p.Lys1036Glu (NM_001129827.2, NM_001129832.2, NM_199460.4); c.3046A>G, p.Lys1016Glu (NM_001129829.2, NM_001129830.3, NM_001129831.2 and 15 more transcripts); c.3037A>G, p.Lys1013Glu (NM_001129844.2); short protein forms K1036E, K1013E, K1016E.
Identifiers: ClinVar variation 4714913 (VCV004714913.1).

ClinVar aggregate classification (germline): Uncertain significance (1 of 4 stars; one submission).

Conditions:
Long QT syndrome (LQTS). Identifiers: MedGen C0023976, MeSH D008133, MONDO:0002442. Disease mechanism: loss of function. Inheritance: Various modes of inheritance.

Submission:

Labcorp Genetics (formerly Invitae), Labcorp
Classification: Uncertain significance for Long QT syndrome. Last evaluated: 2025-03-17. Review status: criteria provided, single submitter. Criteria: Invitae Variant Classification Sherloc (09022015). Collection method: clinical testing. Allele origin: germline.
Comment: This sequence change replaces lysine, which is basic and polar, with glutamic acid, which is acidic and polar, at codon 1016 of the CACNA1C protein (p.Lys1016Glu). This variant is not present in population databases (gnomAD no frequency). This variant has not been reported in the literature in individuals affected with CACNA1C-related conditions. An algorithm developed to predict the effect of missense changes on protein structure and function (PolyPhen-2) suggests that this variant is likely to be disruptive. In summary, the available evidence is currently insufficient to determine the role of this variant in disease. Therefore, it has been classified as a Variant of Uncertain Significance.